The following is an entry in ClinVar:

NM_004168.4(SDHA):c.1428G>A (p.Arg476=)

Gene: SDHA (succinate dehydrogenase complex flavoprotein subunit A; plus strand). Cytogenetic location: 5p15.33.
Variant type: single nucleotide variant.
Coding change: c.1428G>A on transcript NM_004168.4 (MANE Select); coding-DNA position 1428, G replaced by A.
Protein change: p.Arg476=; no amino-acid change (arginine 476 retained).
Molecular consequence: synonymous variant.
Genome position (GRCh38, 1-based): chr5:236,595, G>A. VCF-style: chr5-236595-G-A. GRCh37 (hg19) VCF-style: chr5-236710-G-A.
Other names: c.1284G>A, p.Arg428= (NM_001294332.2); c.1428G>A, p.Arg476= (NM_001330758.2).
Identifiers: ClinVar variation 472331 (VCV000472331.18), dbSNP rs377415114, ClinGen allele CA3173222.

ClinVar aggregate classification (germline): Benign/Likely benign. Review status: criteria provided, multiple submitters, no conflicts (2 of 4 stars). 4 submissions from 4 submitters: Benign (1); Likely benign (3). Last evaluated 2025-10-26.

Conditions:
Mitochondrial complex II deficiency, nuclear type 1. Also called: SUCCINATE CoQ REDUCTASE DEFICIENCY. Identifiers: Orphanet 3208, MedGen C5700310, MONDO:0100294, OMIM 252011.
Pheochromocytoma/paraganglioma syndrome 5. Also called: Paragangliomas 5; SDHA-Related Hereditary Paraganglioma-Pheochromocytoma Syndrome. Identifiers: Orphanet 29072, MedGen C3279992, MONDO:0013602, OMIM 614165.
Hereditary cancer-predisposing syndrome. Also called: Neoplastic Syndromes, Hereditary; Hereditary Cancer Syndrome; Hereditary neoplastic syndrome; Tumor predisposition. Identifiers: Orphanet 140162, MedGen C0027672, MeSH D009386, MONDO:0015356.

Allele frequency attached by ClinVar (database versions not stated): TOPMed 0.00002; gnomAD 0.00003 and 0.00004; ESP Exome Variant Server 0.00008.
gnomAD v4.1: 20 of 1,613,792 alleles (0.0012%); highest among the groups gnomAD compares: African/African-American, 0.004%; no homozygotes.

Submissions (4):

Labcorp Genetics (formerly Invitae), Labcorp
Classification: Likely benign for Pheochromocytoma/paraganglioma syndrome 5; Mitochondrial complex II deficiency, nuclear type 1. Last evaluated: 2025-10-26. Review status: criteria provided, single submitter. Criteria: Invitae Variant Classification Sherloc (09022015). Collection method: clinical testing. Allele origin: germline.

Myriad Genetics, Inc.
Classification: Benign for Pheochromocytoma/paraganglioma syndrome 5. Last evaluated: 2025-03-10. Review status: criteria provided, single submitter. Criteria: Myriad Autosomal Dominant, Autosomal Recessive and X-Linked Classification Criteria (2023). Collection method: clinical testing. Allele origin: unknown.
Comment: This variant is considered benign. This variant is a silent/synonymous amino acid change and it is not expected to impact splicing.

Sema4
Classification: Likely benign for Hereditary cancer-predisposing syndrome. Last evaluated: 2021-05-07. Review status: criteria provided, single submitter. Criteria: Sema4 Curation Guidelines. Collection method: curation. Allele origin: germline.

Ambry Genetics
Classification: Likely benign for Hereditary cancer-predisposing syndrome. Last evaluated: 2014-07-07. Review status: criteria provided, single submitter. Criteria: Ambry Variant Classification Scheme 2023. Collection method: clinical testing. Allele origin: germline.